The following is an entry in ClinVar:

ClinVar aggregate classification (germline): Uncertain significance. Review status: criteria provided, multiple submitters, no conflicts (2 of 4 stars). 2 submissions from 2 submitters: Uncertain significance (2). Last evaluated 2025-08-13.

Conditions:
Hereditary breast ovarian cancer syndrome. Also called: Hereditary breast and/or ovarian cancer syndrome; Hereditary breast and ovarian cancer syndrome; Hereditary breast and ovarian cancer; Breast and ovarian cancer; Hereditary breast and ovarian cancer syndrome (HBOC); BRCA1- and BRCA2-Associated Hereditary Breast and Ovarian Cancer. Identifiers: Orphanet 145, MedGen C0677776, MeSH D061325, MONDO:0003582. Disease mechanism: loss of function.

Submissions (2):

Labcorp Genetics (formerly Invitae), Labcorp
Classification: Uncertain significance for Hereditary breast ovarian cancer syndrome. Last evaluated: 2025-08-13. Review status: criteria provided, single submitter. Criteria: Invitae Variant Classification Sherloc (09022015). Collection method: clinical testing. Allele origin: germline.
Comment: This sequence change replaces proline, which is neutral and non-polar, with leucine, which is neutral and non-polar, at codon 3320 of the BRCA2 protein (p.Pro3320Leu). This variant is not present in population databases (gnomAD no frequency). This missense change has been observed in individual(s) with clinical features of hereditary breast and ovarian cancer syndrome (PMID: 20960228, 28692638). ClinVar contains an entry for this variant (Variation ID: 1316671). Invitae Evidence Modeling of protein sequence and biophysical properties (such as structural, functional, and spatial information, amino acid conservation, physicochemical variation, residue mobility, and thermodynamic stability) indicates that this missense variant is not expected to disrupt BRCA2 protein function with a negative predictive value of 95%. In summary, the available evidence is currently insufficient to determine the role of this variant in disease. Therefore, it has been classified as a Variant of Uncertain Significance.

GeneDx
Classification: Uncertain significance. Last evaluated: 2021-04-16. Review status: criteria provided, single submitter. Criteria: GeneDx Variant Classification Process June 2021. Collection method: clinical testing. Allele origin: germline. Affected: yes.
Comment: Not observed in large population cohorts (Lek 2016); In silico analysis supports that this missense variant does not alter protein structure/function; Also known as 10187C>T; Observed in a patient with ovarian cancer (Wu 2017); This variant is associated with the following publications: (PMID: 30702160, 28692638, 31825140)

Literature cited by the submitters: PubMed 20960228 (cited by Labcorp Genetics (formerly Invitae), Labcorp); PubMed 28692638 (cited by Labcorp Genetics (formerly Invitae), Labcorp).

NM_000059.4(BRCA2):c.9959C>T (p.Pro3320Leu)

Gene: BRCA2 (BRCA2 DNA repair associated; plus strand). Cytogenetic location: 13q13.1.
Variant type: single nucleotide variant.
Coding change: c.9959C>T on transcript NM_000059.4 (MANE Select); coding-DNA position 9959, C replaced by T.
Protein change: p.Pro3320Leu; replaces proline 3320 with leucine.
Molecular consequence: missense variant.
Genome position (GRCh38, 1-based): chr13:32,398,472, C>T. VCF-style: chr13-32398472-C-T. GRCh37 (hg19) VCF-style: chr13-32972609-C-T.
Other names: short protein forms P3320L.
Identifiers: ClinVar variation 1316671 (VCV001316671.13), dbSNP rs2073053705, ClinGen allele CA387767387.